The following is an entry in ClinVar:

ClinVar aggregate classification (germline): Uncertain significance. Review status: criteria provided, multiple submitters, no conflicts (2 of 4 stars). 2 submissions from 2 submitters: Uncertain significance (2). Last evaluated 2025-10-29.

Conditions:
Glycine encephalopathy. Also called: Nonketotic hyperglycinemia; Non-ketotic hyperglycinemia. Identifiers: Orphanet 407, MedGen C0751748, MONDO:0011612, HP:0008288.
Inborn genetic diseases. Identifiers: MedGen C0950123, MeSH D030342.

gnomAD v4.1: 13 of 1,613,228 alleles (0.00081%); highest among the groups gnomAD compares: Non-Finnish European, 0.00076%; no homozygotes.

Submissions (2):

Ambry Genetics
Classification: Uncertain significance for Inborn genetic diseases. Last evaluated: 2025-10-29. Review status: criteria provided, single submitter. Criteria: Ambry Variant Classification Scheme 2023. Collection method: clinical testing. Allele origin: germline.

Labcorp Genetics (formerly Invitae), Labcorp
Classification: Uncertain significance for Glycine encephalopathy. Last evaluated: 2021-09-01. Review status: criteria provided, single submitter. Criteria: Invitae Variant Classification Sherloc (09022015). Collection method: clinical testing. Allele origin: germline.
Comment: This sequence change replaces valine with leucine at codon 5 of the AMT protein (p.Val5Leu). The valine residue is weakly conserved and there is a small physicochemical difference between valine and leucine. This variant is not present in population databases (ExAC no frequency). This variant has not been reported in the literature in individuals affected with AMT-related conditions. Algorithms developed to predict the effect of missense changes on protein structure and function (SIFT, PolyPhen-2, Align-GVGD) all suggest that this variant is likely to be tolerated. In summary, the available evidence is currently insufficient to determine the role of this variant in disease. Therefore, it has been classified as a Variant of Uncertain Significance.

NM_000481.4(AMT):c.13G>C (p.Val5Leu)

Genes: AMT (aminomethyltransferase; minus strand), NICN1 (nicolin 1, tubulin polyglutamylase complex subunit; minus strand). Cytogenetic location: 3p21.31.
Variant type: single nucleotide variant.
Coding change: c.13G>C on transcript NM_000481.4 (MANE Select); coding-DNA position 13, G replaced by C.
Protein change: p.Val5Leu; replaces valine 5 with leucine.
Molecular consequence: missense variant. On other transcripts: non-coding transcript variant (1), 3 prime UTR variant (1).
Genome position (GRCh38, 1-based): chr3:49,422,438, C>G on the plus strand (G>C on the coding strand, the complement: AMT is on the minus strand). VCF-style: chr3-49422438-C-G. GRCh37 (hg19) VCF-style: chr3-49459871-C-G.
Other names: c.13G>C, p.Val5Leu (NM_001164710.2, NM_001164711.2, NM_001164712.2); c.*2395G>C (NM_032316.3); short protein forms V5L.
Identifiers: ClinVar variation 2180383 (VCV002180383.1), dbSNP rs764032357, ClinGen allele CA352791518.